The following is an entry in ClinVar:

ClinVar aggregate classification (germline): Uncertain significance (1 of 4 stars; one submission).

Submission:

CeGaT Center for Human Genetics Tuebingen
Classification: Uncertain significance. Last evaluated: 2023-12-01. Review status: criteria provided, single submitter. Criteria: CeGaT Center For Human Genetics Tuebingen Variant Classification Criteria Version 2. Collection method: clinical testing. Allele origin: germline. Affected: yes. Observed: 1 variant allele.
Comment: NBEA: PM2

NM_001385012.1(NBEA):c.1244C>A (p.Thr415Asn)

Gene: NBEA (neurobeachin; plus strand). Cytogenetic location: 13q13.3.
Variant type: single nucleotide variant.
Coding change: c.1244C>A on transcript NM_001385012.1 (MANE Select); coding-DNA position 1244, C replaced by A.
Protein change: p.Thr415Asn; replaces threonine 415 with asparagine.
Molecular consequence: missense variant.
Genome position (GRCh38, 1-based): chr13:35,069,912, C>A. VCF-style: chr13-35069912-C-A. GRCh37 (hg19) VCF-style: chr13-35644049-C-A.
Other names: c.1244C>A, p.Thr415Asn (NM_001379245.1, NM_015678.5); short protein forms T415N.
Identifiers: ClinVar variation 3026923 (VCV003026923.22), dbSNP rs2502557374, ClinGen allele CA387967487.